The following is an entry in ClinVar:

ClinVar aggregate classification (germline): Likely pathogenic. Review status: criteria provided, multiple submitters, no conflicts (2 of 4 stars). 3 submissions from 3 submitters: Likely pathogenic (3). Last evaluated 2022-09-19.

Conditions:
AP4S1-related disorder.
Neurodevelopmental disorder. Identifiers: MedGen C1535926, MeSH D065886, MONDO:0700092.
Spastic paraplegia. Identifiers: MedGen C0037772, HP:0001258.

Allele frequency attached by ClinVar (database versions not stated): gnomAD exomes below 0.00001 and 0.00001; ExAC 0.00003; gnomAD 0.00003 and 0.00004; ESP Exome Variant Server 0.00008.

Submissions (3):

Labcorp Genetics (formerly Invitae), Labcorp
Classification: Likely pathogenic for Spastic paraplegia. Last evaluated: 2022-09-19. Review status: criteria provided, single submitter. Criteria: Invitae Variant Classification Sherloc (09022015). Collection method: clinical testing. Allele origin: germline.
Comment: In summary, the currently available evidence indicates that the variant is pathogenic, but additional data are needed to prove that conclusively. Therefore, this variant has been classified as Likely Pathogenic. Algorithms developed to predict the effect of sequence changes on RNA splicing suggest that this variant may disrupt the consensus splice site. ClinVar contains an entry for this variant (Variation ID: 1064775). This variant has not been reported in the literature in individuals affected with AP4S1-related conditions. This variant is present in population databases (rs200033849, gnomAD 0.01%). This sequence change affects a donor splice site in intron 2 of the AP4S1 gene. It is expected to disrupt RNA splicing. Variants that disrupt the donor or acceptor splice site typically lead to a loss of protein function (PMID: 16199547), and loss-of-function variants in AP4S1 are known to be pathogenic (PMID: 21620353, 25552650, 27444738).

Laboratory of Molecular Genetics (Pr. Bezieau's lab), CHU de Nantes
Classification: Likely pathogenic for Neurodevelopmental disorder. Last evaluated: 2021-02-24. Review status: criteria provided, single submitter. Criteria: ACMG Guidelines, 2015. Collection method: clinical testing. Allele origin: germline. Affected: yes.

Blueprint Genetics
Classification: Likely pathogenic for AP4S1-related disorders. Last evaluated: 2020-09-22. Review status: criteria provided, single submitter. Criteria: ACMG Guidelines, 2015. Collection method: clinical testing. Allele origin: germline. Affected: yes. Observed: 1 variant allele.

Literature cited by the submitters: PubMed 16199547 (cited by Labcorp Genetics (formerly Invitae), Labcorp); PubMed 21620353 (cited by Labcorp Genetics (formerly Invitae), Labcorp); PubMed 25552650 (cited by Labcorp Genetics (formerly Invitae), Labcorp); PubMed 27444738 (cited by Labcorp Genetics (formerly Invitae), Labcorp).

NM_001128126.3(AP4S1):c.138+1G>A

Gene: AP4S1 (adaptor related protein complex 4 subunit sigma 1; plus strand). Cytogenetic location: 14q12.
Variant type: single nucleotide variant.
Coding change: c.138+1G>A on transcript NM_001128126.3 (MANE Select); the canonical splice donor site of the intron after coding-DNA position 138, G replaced by A.
Molecular consequence: splice donor variant.
Genome position (GRCh38, 1-based): chr14:31,066,335, G>A. VCF-style: chr14-31066335-G-A. GRCh37 (hg19) VCF-style: chr14-31535541-G-A.
Other names: c.138+1G>A (NM_001254729.2, NM_001254727.2, NM_007077.5 and 2 more transcripts).
Identifiers: ClinVar variation 1064775 (VCV001064775.7), dbSNP rs200033849, ClinGen allele CA7144152.